The following is an entry in ClinVar:

ClinVar aggregate classification (germline): Pathogenic (1 of 4 stars; one submission).

Conditions:
Autosomal recessive limb-girdle muscular dystrophy type 2B (LGMDR2). Also called: MUSCULAR DYSTROPHY, LIMB-GIRDLE, AUTOSOMAL RECESSIVE 2; Limb-Girdle Muscular Dystrophy Type 2B (LGMD2B); MUSCULAR DYSTROPHY, LIMB-GIRDLE, TYPE 3; Limb-girdle muscular dystrophy, type 2B. Identifiers: Orphanet 268, MedGen C1850889, MONDO:0009676, OMIM 253601.

Submission:

3billion
Classification: Pathogenic for Autosomal recessive limb-girdle muscular dystrophy type 2B. Last evaluated: 2025-01-21. Review status: criteria provided, single submitter. Criteria: ACMG Guidelines, 2015. Collection method: clinical testing. Allele origin: germline. Affected: yes.
Comment: The variant is not observed in the gnomAD v4.1.0 dataset. Predicted Consequence/Location: Stop-gained (nonsense): predicted to result in a loss or disruption of normal protein function through nonsense-mediated decay (NMD) or protein truncation. Multiple pathogenic variants are reported downstream of the variant. Therefore, this variant is classified as Pathogenic according to the recommendation of ACMG/AMP guideline.

NM_001130987.2(DYSF):c.3095dup (p.Tyr1032Ter)

Gene: DYSF (dysferlin; plus strand). Cytogenetic location: 2p13.2.
Variant type: Duplication.
Coding change: c.3095dup on transcript NM_001130987.2 (MANE Select); coding-DNA position 3095, one base duplicated (A; older notation c.3095dupA).
Protein change: p.Tyr1032Ter; replaces tyrosine 1032 with a stop codon.
Molecular consequence: nonsense.
Genome position (GRCh38, 1-based): chr2:71,570,608, A duplicated. VCF-style (leftmost placement, unchanged base first): chr2-71570607-T-TA. GRCh37 (hg19) VCF-style: chr2-71797737-T-TA.
Other names: c.3044dup, p.Tyr1015Ter (NM_001130455.2, NM_001130983.2); c.2999dup, p.Tyr1000Ter (NM_001130976.2, NM_001130977.2); c.3041dup, p.Tyr1014Ter (NM_001130978.2, NM_003494.4); c.3134dup, p.Tyr1045Ter (NM_001130979.2); c.3092dup, p.Tyr1031Ter (NM_001130980.2, NM_001130981.2); c.3137dup, p.Tyr1046Ter (NM_001130982.2); c.3002dup, p.Tyr1001Ter (NM_001130984.2, NM_001130986.2); c.3095dup, p.Tyr1032Ter (NM_001130985.2); short protein forms Y1000*, Y1001*, Y1014*, Y1015*, Y1031*, Y1032*, Y1045*, Y1046*.
Identifiers: ClinVar variation 4292573 (VCV004292573.1).